The following is an entry in ClinVar:

NM_004839.4(HOMER2):c.587G>C (p.Ser196Thr)

Gene: HOMER2 (homer scaffold protein 2; minus strand). Cytogenetic location: 15q25.2.
Variant type: single nucleotide variant.
Coding change: c.587G>C on transcript NM_004839.4 (MANE Select); coding-DNA position 587, G replaced by C.
Protein change: p.Ser196Thr; replaces serine 196 with threonine.
Molecular consequence: missense variant.
Genome position (GRCh38, 1-based): chr15:82,854,708, C>G on the plus strand (G>C on the coding strand, the complement: HOMER2 is on the minus strand). VCF-style: chr15-82854708-C-G. GRCh37 (hg19) VCF-style: chr15-83523460-C-G.
Other names: c.620G>C, p.Ser207Thr (NM_199330.3); short protein forms S196T, S207T.
Identifiers: ClinVar variation 2605541 (VCV002605541.4), dbSNP rs1275275725, ClinGen allele CA393322079.

ClinVar aggregate classification (germline): Uncertain significance. Review status: criteria provided, multiple submitters, no conflicts (2 of 4 stars). 2 submissions from 2 submitters: Uncertain significance (2). Last evaluated 2024-06-13.

Conditions:
Inborn genetic diseases. Identifiers: MedGen C0950123, MeSH D030342.

Allele frequency attached by ClinVar (database versions not stated): TOPMed 0.00002.
gnomAD v4.1: 8 of 1,612,940 alleles (0.0005%); highest among the groups gnomAD compares: East Asian, 0.0089%; no homozygotes.

Submissions (2):

Labcorp Genetics (formerly Invitae), Labcorp
Classification: Uncertain significance. Last evaluated: 2024-06-13. Review status: criteria provided, single submitter. Criteria: Invitae Variant Classification Sherloc (09022015). Collection method: clinical testing. Allele origin: germline.
Comment: This sequence change replaces serine, which is neutral and polar, with threonine, which is neutral and polar, at codon 196 of the HOMER2 protein (p.Ser196Thr). This variant is present in population databases (no rsID available, gnomAD 0.02%). This variant has not been reported in the literature in individuals affected with HOMER2-related conditions. ClinVar contains an entry for this variant (Variation ID: 2605541). An algorithm developed to predict the effect of missense changes on protein structure and function (PolyPhen-2) suggests that this variant is likely to be disruptive. In summary, the available evidence is currently insufficient to determine the role of this variant in disease. Therefore, it has been classified as a Variant of Uncertain Significance.

Ambry Genetics
Classification: Uncertain significance for Inborn genetic diseases. Last evaluated: 2023-06-22. Review status: criteria provided, single submitter. Criteria: Ambry Variant Classification Scheme 2023. Collection method: clinical testing. Allele origin: germline.